The following is an entry in ClinVar:

ClinVar aggregate classification (germline): Likely benign. Review status: criteria provided, multiple submitters, no conflicts (2 of 4 stars). 3 submissions from 3 submitters: Likely benign (3). Last evaluated 2023-05-01.

Conditions:
Arrhythmogenic right ventricular dysplasia 9 (ARVD9). Also called: Arrhythmogenic Right Ventricular Dysplasia/Cardiomyopathy 9; ARRHYTHMOGENIC RIGHT VENTRICULAR DYSPLASIA, FAMILIAL, 9. Identifiers: MedGen C1836906, MONDO:0012180, OMIM 609040.

Allele frequency attached by ClinVar (database versions not stated): gnomAD 0.00300 and 0.00278; 1000 Genomes Project 30x 0.00468; 1000 Genomes Project 0.00459; TOPMed 0.00272.

Submissions (3):

CeGaT Center for Human Genetics Tuebingen
Classification: Likely benign. Last evaluated: 2023-05-01. Review status: criteria provided, single submitter. Criteria: CeGaT Center For Human Genetics Tuebingen Variant Classification Criteria Version 2. Collection method: clinical testing. Allele origin: germline. Affected: yes. Observed: 4 variant alleles.
Comment: PKP2: BS2

Illumina Laboratory Services, Illumina
Classification: Likely benign for Arrhythmogenic right ventricular dysplasia 9. Last evaluated: 2018-01-13. Review status: criteria provided, single submitter. Criteria: ICSL Variant Classification Criteria 13 December 2019. Collection method: clinical testing. Allele origin: germline.
Comment: This variant was observed in the ICSL laboratory as part of a predisposition screen in an ostensibly healthy population. It had not been previously curated by ICSL or reported in the Human Gene Mutation Database (HGMD: prior to June 1st, 2018), and was therefore a candidate for classification through an automated scoring system. Utilizing variant allele frequency, disease prevalence and penetrance estimates, and inheritance mode, an automated score was calculated to assess if this variant is too frequent to cause the disease. Based on the score and internal cut-off values, a variant classified as likely benign is not then subjected to further curation. The score for this variant resulted in a classification of likely benign for this disease.

Breakthrough Genomics
Classification: Likely benign. Review status: criteria provided, single submitter. Criteria: ACMG Guidelines, 2015. Collection method: not provided. Allele origin: germline. Inheritance: Autosomal dominant inheritance. Affected: yes.

NM_004572.3(PKP2):c.-90G>T

Genes: PKP2 (plakophilin 2; minus strand), LOC130007664 (ATAC-STARR-seq lymphoblastoid silent region 4340; plus strand). Cytogenetic location: 12p11.21.
Variant type: single nucleotide variant.
Coding change: c.-90G>T on transcript NM_004572.3; 90 bases upstream of the start codon, G replaced by T.
Genome position (GRCh38, 1-based): chr12:32,896,821, C>A on the plus strand (G>T on the coding strand, the complement: PKP2 is on the minus strand). VCF-style: chr12-32896821-C-A. GRCh37 (hg19) VCF-style: chr12-33049755-C-A.
Identifiers: ClinVar variation 308523 (VCV000308523.36), dbSNP rs552373947, ClinGen allele CA10637306.